The following is an entry in ClinVar:

ClinVar aggregate classification (germline): Pathogenic. Review status: criteria provided, multiple submitters, no conflicts (2 of 4 stars). 3 submissions from 3 submitters: Pathogenic (3). Last evaluated 2024-07-10.

Conditions:
Inborn genetic diseases. Identifiers: MedGen C0950123, MeSH D030342.
Coffin-Siris syndrome 1 (CSS1). Also called: ARID1B-Related Coffin-Siris Syndrome; Mental retardation, autosomal dominant 12. Identifiers: Orphanet 1465, MedGen C3281201, MONDO:0007617, OMIM 135900. Disease mechanism: gain of function.

Submissions (3):

Ambry Genetics
Classification: Pathogenic for Inborn genetic diseases. Last evaluated: 2024-07-10. Review status: criteria provided, single submitter. Criteria: Ambry Variant Classification Scheme 2023. Collection method: clinical testing. Allele origin: germline.
Comment: The c.5457G>A (p.W1819*) alteration, located in exon 20 (coding exon 20) of the ARID1B gene, consists of a G to A substitution at nucleotide position 5457. This changes the amino acid from a tryptophan (W) to a stop codon at amino acid position 1819. This alteration occurs at the 3' terminus of the ARID1B gene, is not expected to trigger nonsense-mediated mRNA decay, and impacts the last 19.2% of the protein. However, premature stop codons are typically deleterious in nature, the impacted region is critical for protein function, and a significant portion of the protein is affected. This variant was not reported in population-based cohorts in the Genome Aggregation Database (gnomAD). This variant was reported in an individual with features consistent with ARID1B-related Coffin-Siris syndrome (Wieczorek, 2013). Based on the available evidence, this alteration is classified as pathogenic.

Laboratory of Medical Genetics, University of Torino
Classification: Pathogenic for Coffin-Siris syndrome 1. Last evaluated: 2022-11-29. Review status: criteria provided, single submitter. Criteria: ACMG Guidelines, 2015. Collection method: research. Allele origin: germline. Affected: yes. Study: NeuroWES.

Institute of Medical Genetics and Applied Genomics, University Hospital Tübingen
Classification: Pathogenic. Last evaluated: 2020-10-23. Review status: criteria provided, single submitter. Criteria: ACMG Guidelines, 2015. Collection method: clinical testing. Allele origin: germline. Inheritance: Autosomal dominant inheritance. Affected: yes.

Literature cited by the submitters: PubMed 23906836 (cited by Ambry Genetics).

NM_001374828.1(ARID1B):c.5826G>A (p.Trp1942Ter)

Gene: ARID1B (AT-rich interaction domain 1B; plus strand). Cytogenetic location: 6q25.3.
Variant type: single nucleotide variant.
Coding change: c.5826G>A on transcript NM_001374828.1 (MANE Select); coding-DNA position 5826, G replaced by A.
Protein change: p.Trp1942Ter; replaces tryptophan 1942 with a stop codon.
Molecular consequence: nonsense.
Genome position (GRCh38, 1-based): chr6:157,206,598, G>A. VCF-style: chr6-157206598-G-A. GRCh37 (hg19) VCF-style: chr6-157527732-G-A.
Other names: c.3327G>A, p.Trp1109Ter (NM_001363725.2); c.5706G>A, p.Trp1902Ter (NM_001371656.1, NM_001374820.1); c.5667G>A, p.Trp1889Ter (NM_017519.3); c.5457G>A (NM_020732.3); short protein forms W1109*, W1889*, W1902*, W1942*.
Identifiers: ClinVar variation 987393 (VCV000987393.4), dbSNP rs1554237335, ClinGen allele CA366246935.